The following is an entry in ClinVar:

ClinVar aggregate classification (germline): Uncertain significance (1 of 4 stars; one submission).

Conditions:
Glycine encephalopathy. Also called: Nonketotic hyperglycinemia; Non-ketotic hyperglycinemia. Identifiers: Orphanet 407, MedGen C0751748, MONDO:0011612, HP:0008288.

Allele frequency attached by ClinVar (database versions not stated): ExAC 0.00001; gnomAD 0.00001; gnomAD exomes 0.00001 and 0.00002; TOPMed 0.00001.
gnomAD v4.1: 23 of 1,614,066 alleles (0.0014%); highest among the groups gnomAD compares: Non-Finnish European, 0.0019%; no homozygotes.

Submission:

Labcorp Genetics (formerly Invitae), Labcorp
Classification: Uncertain significance for Glycine encephalopathy. Last evaluated: 2021-09-02. Review status: criteria provided, single submitter. Criteria: Invitae Variant Classification Sherloc (09022015). Collection method: clinical testing. Allele origin: germline.
Comment: This sequence change replaces valine with glycine at codon 142 of the AMT protein (p.Val142Gly). The valine residue is highly conserved and there is a moderate physicochemical difference between valine and glycine. This variant is present in population databases (rs753217454, ExAC 0.001%). This variant has not been reported in the literature in individuals affected with AMT-related conditions. Algorithms developed to predict the effect of missense changes on protein structure and function (SIFT, PolyPhen-2, Align-GVGD) all suggest that this variant is likely to be disruptive. In summary, the available evidence is currently insufficient to determine the role of this variant in disease. Therefore, it has been classified as a Variant of Uncertain Significance.

NM_000481.4(AMT):c.425T>G (p.Val142Gly)

Gene: AMT (aminomethyltransferase; minus strand). Cytogenetic location: 3p21.31.
Variant type: single nucleotide variant.
Coding change: c.425T>G on transcript NM_000481.4 (MANE Select); coding-DNA position 425, T replaced by G.
Protein change: p.Val142Gly; replaces valine 142 with glycine.
Molecular consequence: missense variant. On other transcripts: non-coding transcript variant (1), intron variant (1).
Genome position (GRCh38, 1-based): chr3:49,420,257, A>C on the plus strand (T>G on the coding strand, the complement: AMT is on the minus strand). VCF-style: chr3-49420257-A-C. GRCh37 (hg19) VCF-style: chr3-49457690-A-C.
Other names: c.257T>G, p.Val86Gly (NM_001164711.2); c.425T>G, p.Val142Gly (NM_001164712.2); c.340-469T>G (NM_001164710.2); short protein forms V142G, V86G.
Identifiers: ClinVar variation 1020319 (VCV001020319.2), dbSNP rs753217454, ClinGen allele CA2398375.
Genomic context (GRCh38, chr3:49,420,257, plus strand): 5'-CAGAGGGGGTATACCTGCATGAGGGCCAAATCTTTCTCCCAGCAGCCAGCGTTGGACACC[A>C]CATACAGGTGGCCCTCAGAAGTATTGGTTACAATCAAGTCATCTAAGATGCCTCCAGCCT-3'
Protein context (NP_000472.2, residues 132-152): VTNTSEGHLY[Val142Gly]VSNAGCWEKD